The following is an entry in ClinVar:

NM_000163.5(GHR):c.1561G>T (p.Val521Phe)

Gene: GHR (growth hormone receptor; plus strand). Cytogenetic location: 5p12.
Variant type: single nucleotide variant.
Coding change: c.1561G>T on transcript NM_000163.5 (MANE Select); coding-DNA position 1561, G replaced by T.
Protein change: p.Val521Phe; replaces valine 521 with phenylalanine.
Molecular consequence: missense variant. On other transcripts: 3 prime UTR variant (1).
Genome position (GRCh38, 1-based): chr5:42,719,068, G>T. VCF-style: chr5-42719068-G-T. GRCh37 (hg19) VCF-style: chr5-42719170-G-T.
Other names: c.1582G>T, p.Val528Phe (NM_001242399.2); c.1561G>T, p.Val521Phe (NM_001242400.2, NM_001242401.4, NM_001242402.2 and 4 more transcripts); c.1495G>T, p.Val499Phe (NM_001242460.2); c.*603G>T (NM_001242462.1); short protein forms V499F, V521F, V528F.
Identifiers: ClinVar variation 1803543 (VCV001803543.1), dbSNP rs2530781859, ClinGen allele CA359630498.

ClinVar aggregate classification (germline): Uncertain significance (1 of 4 stars; one submission).

Allele frequency attached by ClinVar (database versions not stated): gnomAD exomes below 0.00001.

Submission:

GeneDx
Classification: Uncertain significance. Last evaluated: 2022-06-09. Review status: criteria provided, single submitter. Criteria: GeneDx Variant Classification Process June 2021. Collection method: clinical testing. Allele origin: germline. Affected: yes.
Comment: Not observed at significant frequency in large population cohorts (gnomAD); In silico analysis supports that this missense variant does not alter protein structure/function; Has not been previously published as pathogenic or benign to our knowledge